The following is an entry in ClinVar:

ClinVar aggregate classification (germline): Likely pathogenic (1 of 4 stars; one submission).

Conditions:
Primary ciliary dyskinesia 3. Identifiers: Orphanet 244, MedGen C1837618, MONDO:0012085, OMIM 608644.

Submission:

Myriad Genetics, Inc.
Classification: Likely pathogenic for Primary ciliary dyskinesia 3. Last evaluated: 2022-02-24. Review status: criteria provided, single submitter. Criteria: Myriad Women's Health Autosomal Recessive and X-Linked Classification Criteria (2021). Collection method: clinical testing. Allele origin: unknown.
Comment: NM_001369.2(DNAH5):c.5455delA(T1819Lfs*14) is expected to be pathogenic in the context of DNAH5-related primary ciliary dyskinesia. This variant is predicted to lead to an abnormal or absent protein product due to the creation of a premature termination codon in DNAH5, a gene where loss-of-function variants are known to be pathogenic. Please note: this variant was assessed in the context of healthy population screening.

NM_001369.3(DNAH5):c.5455del (p.Thr1819fs)

Gene: DNAH5 (dynein axonemal heavy chain 5; minus strand). Cytogenetic location: 5p15.2.
Variant type: Deletion.
Coding change: c.5455del on transcript NM_001369.3 (MANE Select); coding-DNA position 5455, one base deleted (A; older notation c.5455delA).
Protein change: p.Thr1819fs; shifts the reading frame from threonine 1819.
Molecular consequence: frameshift variant.
Genome position (GRCh38, 1-based): chr5:13,841,721, T deleted on the plus strand (A on the coding strand, the reverse complement: DNAH5 is on the minus strand); the first of 2 consecutive T bases (chr5:13,841,721-13,841,722); deleting either gives the same sequence. VCF-style (leftmost placement, unchanged base first): chr5-13841720-GT-G. GRCh37 (hg19) VCF-style: chr5-13841829-GT-G.
Other names: short protein forms T1819fs.
Identifiers: ClinVar variation 1724639 (VCV001724639.2), dbSNP rs2546910928, ClinGen allele CA2580072081.